The following is an entry in ClinVar:

ClinVar aggregate classification (germline): Likely benign. Review status: criteria provided, single submitter (1 of 4 stars). 2 submissions from 2 submitters: Likely benign (1). 1 of the submissions does not count toward it. Last evaluated 2026-01-27.

Conditions:
POLR3A-related disorder. Also called: POLR3A-related disorders; POLR3A-related condition. Identifiers: MedGen CN378587, MONDO:0700276.

Allele frequency attached by ClinVar (database versions not stated): gnomAD exomes 0.00002 and 0.00006; ExAC 0.00008; gnomAD 0.00022 and 0.00025; TOPMed 0.00025; 1000 Genomes Project 30x 0.00031; ESP Exome Variant Server 0.00038.
gnomAD v4.1: 67 of 1,613,858 alleles (0.0042%); highest among the groups gnomAD compares: African/African-American, 0.077%; no homozygotes.

Submissions (2):

Labcorp Genetics (formerly Invitae), Labcorp
Classification: Likely benign. Last evaluated: 2026-01-27. Review status: criteria provided, single submitter. Criteria: Invitae Variant Classification Sherloc (09022015). Collection method: clinical testing. Allele origin: germline.

PreventionGenetics, part of Exact Sciences
Classification: Likely benign for POLR3A-related condition. Last evaluated: 2020-01-15. Review status: no assertion criteria provided. Collection method: clinical testing. Allele origin: germline. Not counted in ClinVar's aggregate classification.
Comment: This variant is classified as likely benign based on ACMG/AMP sequence variant interpretation guidelines (Richards et al. 2015 PMID: 25741868, with internal and published modifications).

NM_007055.4(POLR3A):c.3891+9G>A

Gene: POLR3A (RNA polymerase III subunit A; minus strand). Cytogenetic location: 10q22.3.
Variant type: single nucleotide variant.
Coding change: c.3891+9G>A on transcript NM_007055.4 (MANE Select); 9 bases into the intron after coding-DNA position 3891, G replaced by A.
Molecular consequence: intron variant.
Genome position (GRCh38, 1-based): chr10:77,981,419, C>T on the plus strand (G>A on the coding strand, the complement: POLR3A is on the minus strand). VCF-style: chr10-77981419-C-T. GRCh37 (hg19) VCF-style: chr10-79741177-C-T.
Other names: c.3891+9G>A (NM_007055.3).
Identifiers: ClinVar variation 1563280 (VCV001563280.10), dbSNP rs377678004, ClinGen allele CA5570672.